The following is an entry in ClinVar:

ClinVar aggregate classification (germline): Likely pathogenic (1 of 4 stars; one submission).

Conditions:
Neurodevelopmental disorder. Identifiers: MedGen C1535926, MeSH D065886, MONDO:0700092.

Submission:

Victorian Clinical Genetics Services, Murdoch Childrens Research Institute
Classification: Likely pathogenic for Neurodevelopmental disorder. Last evaluated: 2022-06-24. Review status: criteria provided, single submitter. Criteria: ACMG Guidelines, 2015. Collection method: clinical testing. Allele origin: germline. Inheritance: Autosomal dominant inheritance. Affected: yes.
Comment: Based on the classification scheme VCGS_Germline_v1.3.4, this variant is classified as likely pathogenic. Following criteria are met: 0102 - Loss of function is a known mechanism of disease in this gene and is associated with neurodevelopmental disorder, CHD8-related (MONDO#0700092). (I) 0107 - This gene is associated with autosomal dominant disease. (I) 0211 - Canonical splice site variant without proven consequence on splicing (no functional evidence available). (SP) 0251 - This variant is heterozygous. (I) 0301 - Variant is absent from gnomAD (both v2 and v3). (SP) 0311 - An alternative nucleotide change at the same canonical splice site is present in gnomAD (v3) (1 heterozygote, 0 homozygotes). (I) 0505 - Abnormal splicing is predicted by in silico tools and affected nucleotide is highly conserved. (SP) 0704 - Another canonical splice variant comparable to the one identified in this case has limited previous evidence for pathogenicity. This alternative change (c.2487-2A>G) has been reported as pathogenic and was observed as de novo in an individual with macrocephaly, autism spectrum disorder, hypotonia, and encephalopathy (ClinVar, personal communications). (SP) 0807 - This variant has no previous evidence of pathogenicity. (I) 0905 - No published segregation evidence has been identified for this variant. (I) 1007 - No published functional evidence has been identified for this variant. (I) 1208 - Inheritance information for this variant is not currently available in this individual. (I) Legend: (SP) - Supporting pathogenic, (I) - Information, (SB) - Supporting benign

NM_001170629.2(CHD8):c.2487-1G>C

Gene: CHD8 (chromodomain helicase DNA binding protein 8; minus strand). Cytogenetic location: 14q11.2.
Variant type: single nucleotide variant.
Coding change: c.2487-1G>C on transcript NM_001170629.2 (MANE Select); the canonical splice acceptor site of the intron before coding-DNA position 2487, G replaced by C.
Molecular consequence: splice acceptor variant.
Genome position (GRCh38, 1-based): chr14:21,408,556, C>G on the plus strand (G>C on the coding strand, the complement: CHD8 is on the minus strand). VCF-style: chr14-21408556-C-G. GRCh37 (hg19) VCF-style: chr14-21876715-C-G.
Other names: c.1650-1G>C (NM_020920.4).
Identifiers: ClinVar variation 1699319 (VCV001699319.3), dbSNP rs2139481823, ClinGen allele CA388876057.